The following is an entry in ClinVar:

NM_007175.8(ERLIN2):c.246GAT[1] (p.Met83del)

Gene: ERLIN2 (ER lipid raft associated 2; plus strand). Cytogenetic location: 8p11.23.
Variant type: Microsatellite.
Coding change: c.246GAT[1] on transcript NM_007175.8 (MANE Select); one copy of the 3-base unit GAT starting at c.246; the reference has two copies in a row; one copy, 3 bases deleted.
Protein change: p.Met83del; deletes methionine 83.
Molecular consequence: inframe deletion.
Genome position (GRCh38, 1-based): chr8:37,744,367-37,744,369, GAT deleted; deleting any 3 consecutive bases within chr8:37,744,363-37,744,369 gives the same sequence; the position shown is the placement nearest the transcript's 3' end. VCF-style (leftmost placement, unchanged base first): chr8-37744362-GTGA-G. GRCh37 (hg19) VCF-style: chr8-37601880-GTGA-G.
Other names: c.246GAT[1], p.Met83del (NM_001003790.4, NM_001003791.3, NM_001362878.2 and 1 more transcripts); short protein forms M83del.
Identifiers: ClinVar variation 842326 (VCV000842326.1), dbSNP rs1802960804, ClinGen allele CA916082982.

ClinVar aggregate classification (germline): Uncertain significance (1 of 4 stars; one submission).

Conditions:
Spastic paraplegia. Identifiers: MedGen C0037772, HP:0001258.

Submission:

Labcorp Genetics (formerly Invitae), Labcorp
Classification: Uncertain significance for Spastic paraplegia. Last evaluated: 2019-12-30. Review status: criteria provided, single submitter. Criteria: Invitae Variant Classification Sherloc (09022015). Collection method: clinical testing. Allele origin: germline.
Comment: This variant, c.249_251del, results in the deletion of 1 amino acid(s) of the ERLIN2 protein (p.Met83del), but otherwise preserves the integrity of the reading frame. This variant is not present in population databases (ExAC no frequency). This variant has been observed in individual(s) with hereditary spastic paraplegia (Invitae). Experimental studies and prediction algorithms are not available or were not evaluated, and the functional significance of this variant is currently unknown. In summary, the available evidence is currently insufficient to determine the role of this variant in disease. Therefore, it has been classified as a Variant of Uncertain Significance.